The following is an entry in ClinVar:

ClinVar aggregate classification (germline): Uncertain significance. Review status: criteria provided, multiple submitters, no conflicts (2 of 4 stars). 8 submissions from 8 submitters: Uncertain significance (8). Last evaluated 2026-01-21.

Conditions:
TNNI3-related disorder. Also called: TNNI3-related condition; TNNI3-related disorders.
Cardiovascular phenotype. Identifiers: MedGen CN230736.
Cardiomyopathy (CMYO). Also called: Cardiomyopathies. Identifiers: Orphanet 167848, MedGen C0878544, MONDO:0004994, HP:0001638. Inheritance: Various modes of inheritance.
Hypertrophic cardiomyopathy. Also called: HYPERTROPHIC MYOCARDIOPATHY. Identifiers: Orphanet 217569, MedGen C0007194, MeSH D002312, MONDO:0005045, HP:0001639.

Allele frequency attached by ClinVar (database versions not stated): ExAC 0.00002; TOPMed 0.00002; gnomAD 0.00003 and 0.00004; gnomAD exomes 0.00003.
gnomAD v4.1: 39 of 1,614,064 alleles (0.0024%); highest among the groups gnomAD compares: South Asian, 0.0044%; no homozygotes.

Submissions (8):

Labcorp Genetics (formerly Invitae), Labcorp
Classification: Uncertain significance for Hypertrophic cardiomyopathy. Last evaluated: 2026-01-21. Review status: criteria provided, single submitter. Criteria: Invitae Variant Classification Sherloc (09022015). Collection method: clinical testing. Allele origin: germline.
Comment: This sequence change replaces arginine, which is basic and polar, with histidine, which is basic and polar, at codon 103 of the TNNI3 protein (p.Arg103His). This variant is present in population databases (rs371000425, gnomAD 0.005%). This variant has not been reported in the literature in individuals affected with TNNI3-related conditions. ClinVar contains an entry for this variant (Variation ID: 181577). An algorithm developed to predict the effect of missense changes on protein structure and function (PolyPhen-2) suggests that this variant is likely to be disruptive. In summary, the available evidence is currently insufficient to determine the role of this variant in disease. Therefore, it has been classified as a Variant of Uncertain Significance.

PreventionGenetics, part of Exact Sciences
Classification: Uncertain significance for TNNI3-related condition. Last evaluated: 2025-08-19. Review status: criteria provided, single submitter. Criteria: ACMG Guidelines, 2015. Collection method: clinical testing. Allele origin: germline.
Comment: The TNNI3 c.308G>A variant is predicted to result in the amino acid substitution p.Arg103His. This variant has been reported as a variant of uncertain significance in an individual with hypertrophic cardiomyopathy (Table S2, Chan et al. 2022. PubMed ID: 35747179). This variant is reported in 0.0047% of alleles in individuals of European (Non-Finnish) descent in gnomAD. At this time, the clinical significance of this variant is uncertain due to the absence of conclusive functional and genetic evidence.

Ambry Genetics
Classification: Uncertain significance for Cardiovascular phenotype. Last evaluated: 2025-06-12. Review status: criteria provided, single submitter. Criteria: Ambry Variant Classification Scheme 2023. Collection method: clinical testing. Allele origin: germline.
Comment: The p.R103H variant (also known as c.308G>A), located in coding exon 6 of the TNNI3 gene, results from a G to A substitution at nucleotide position 308. The arginine at codon 103 is replaced by histidine, an amino acid with highly similar properties. This alteration was identified in the Framingham and Jackson Heart Study cohorts (Bick AG et al. Am J Hum Genet. 2012;91(3):513-9). This amino acid position is not well conserved in available vertebrate species. In addition, the in silico prediction for this alteration is inconclusive. Based on the available evidence, the clinical significance of this variant remains unclear.

ARUP Laboratories, Molecular Genetics and Genomics, ARUP Laboratories
Classification: Uncertain significance. Last evaluated: 2024-11-21. Review status: criteria provided, single submitter. Criteria: ARUP Molecular Germline Variant Investigation Process 2024. Collection method: clinical testing. Allele origin: germline.
Comment: The TNNI3 c.308G>A; p.Arg103His variant (rs371000425, ClinVar Variation ID: 181577) is reported in the literature in two individuals from the Jackson heart study cohort (Bick 2012). This variant is found primarily in the non-Finnish European population with an allele frequency of 0.005% (6/128,628 alleles) in the Genome Aggregation Database (v2.1.1). Computational analyses are uncertain whether this variant is neutral or deleterious (REVEL: 0.374). Due to limited information, the clinical significance of this variant is uncertain at this time. References: Bick AG et al. Burden of rare sarcomere gene variants in the Framingham and Jackson Heart Study cohorts. Am J Hum Genet. 2012 Sep 7;91(3):513-9. PMID: 22958901.

All of Us Research Program, National Institutes of Health
Classification: Uncertain significance for Hypertrophic cardiomyopathy. Last evaluated: 2024-09-16. Review status: criteria provided, single submitter. Criteria: ACMG Guidelines, 2015. Collection method: clinical testing. Allele origin: germline. Inheritance: Autosomal dominant inheritance. Observed: 12 variant alleles, 12 heterozygotes.
Comment: This missense variant replaces arginine with histidine at codon 103 of the TNNI3 protein. Computational prediction suggests that this variant may not impact protein structure and function (internally defined REVEL score threshold <= 0.5, PMID: 27666373). To our knowledge, functional studies have not been reported for this variant. This variant has not been reported in individuals affected with cardiovascular disorders in the literature. This variant has been identified in 8/280856 chromosomes in the general population by the Genome Aggregation Database (gnomAD). The available evidence is insufficient to determine the role of this variant in disease conclusively. Therefore, this variant is classified as a Variant of Uncertain Significance.

This study involves interpretation of variants in research participants for the purpose of population health screening. Participant phenotype was not available at the time of variant classification. Additional details can be found in publication PMID: 35346344, PMCID: PMC8962531

Color Diagnostics, LLC DBA Color Health
Classification: Uncertain significance for Cardiomyopathy. Last evaluated: 2023-10-22. Review status: criteria provided, single submitter. Criteria: ACMG Guidelines, 2015. Collection method: clinical testing. Allele origin: germline.
Comment: This missense variant replaces arginine with histidine at codon 103 of the TNNI3 protein. Computational prediction suggests that this variant may not impact protein structure and function (internally defined REVEL score threshold <= 0.5, PMID: 27666373). To our knowledge, functional studies have not been reported for this variant. This variant has not been reported in individuals affected with cardiovascular disorders in the literature. This variant has been identified in 8/280856 chromosomes in the general population by the Genome Aggregation Database (gnomAD). The available evidence is insufficient to determine the role of this variant in disease conclusively. Therefore, this variant is classified as a Variant of Uncertain Significance.

Revvity Omics, Revvity
Classification: Uncertain significance. Last evaluated: 2023-01-23. Review status: criteria provided, single submitter. Criteria: ACMG Guidelines, 2015. Collection method: clinical testing. Allele origin: germline.

GeneDx
Classification: Uncertain significance. Last evaluated: 2014-06-09. Review status: criteria provided, single submitter. Criteria: GeneDx Variant Classification (06012015). Collection method: clinical testing. Allele origin: germline. Affected: yes.
Comment: A variant of unknown significance has been identified in the TNNI3 gene. The R103H variant has not been published as a mutation or reported as a benign polymorphism to our knowledge. The R103H variant was not observed in approximately 6,400 individuals of European and African American ancestry in the NHLBI Exome Sequencing Project, indicating it is not a common benign variant in these populations. In silico analysis predicts this variant is probably damaging to the protein structure/function. Furthermore, a missense mutation in nearby residue (R98Q) has been reported in association with cardiomyopathy, supporting the functional importance of this region of the protein. Nevertheless, the R103H variant is a conservative amino acid substitution, which is not likely to impact secondary protein structure as these residues share similar properties. In addition, this substitution occurs at a position that is not conserved across species. Therefore, based on the currently available information, it is unclear whether this variant is a pathogenic mutation or a rare benign variant. The variant is found in CARDIOMYOPATHY panel(s).

Literature cited by the submitters: PubMed 22958901 (cited by Ambry Genetics).

NM_000363.5(TNNI3):c.308G>A (p.Arg103His)

Gene: TNNI3 (troponin I3, cardiac type; minus strand). Cytogenetic location: 19q13.42.
Variant type: single nucleotide variant.
Coding change: c.308G>A on transcript NM_000363.5 (MANE Select); coding-DNA position 308, G replaced by A.
Protein change: p.Arg103His; replaces arginine 103 with histidine.
Molecular consequence: missense variant.
Genome position (GRCh38, 1-based): chr19:55,154,805, C>T on the plus strand (G>A on the coding strand, the complement: TNNI3 is on the minus strand). VCF-style: chr19-55154805-C-T. GRCh37 (hg19) VCF-style: chr19-55666173-C-T.
Other names: p.R103H:CGT>CAT; c.308G>A (LRG_432t1); short protein forms R103H.
Identifiers: ClinVar variation 181577 (VCV000181577.27), dbSNP rs371000425, ClinGen allele CA021498.